The following is an entry in ClinVar:

NM_014795.4(ZEB2):c.3513T>C (p.Ser1171=)

Gene: ZEB2 (zinc finger E-box binding homeobox 2; minus strand). Cytogenetic location: 2q22.3.
Variant type: single nucleotide variant.
Coding change: c.3513T>C on transcript NM_014795.4 (MANE Select); coding-DNA position 3513, T replaced by C.
Protein change: p.Ser1171=; no amino-acid change (serine 1171 retained).
Molecular consequence: synonymous variant.
Genome position (GRCh38, 1-based): chr2:144,389,583, A>G on the plus strand (T>C on the coding strand, the complement: ZEB2 is on the minus strand). VCF-style: chr2-144389583-A-G. GRCh37 (hg19) VCF-style: chr2-145147150-A-G.
Other names: c.3441T>C, p.Ser1147= (NM_001171653.2).
Identifiers: ClinVar variation 507915 (VCV000507915.1), dbSNP rs1553960736, ClinGen allele CA429441092.

ClinVar aggregate classification (germline): Likely benign (1 of 4 stars; one submission).

Submission:

GeneDx
Classification: Likely benign. Last evaluated: 2017-03-14. Review status: criteria provided, single submitter. Criteria: GeneDx Variant Classification (06012015). Collection method: clinical testing. Allele origin: germline. Affected: yes.
Comment: This variant is considered likely benign or benign based on one or more of the following criteria: it is a conservative change, it occurs at a poorly conserved position in the protein, it is predicted to be benign by multiple in silico algorithms, and/or has population frequency not consistent with disease.